The following is an entry in ClinVar:

NM_198578.4(LRRK2):c.478T>A (p.Phe160Ile)

Gene: LRRK2 (leucine rich repeat kinase 2; plus strand). Cytogenetic location: 12q12.
Variant type: single nucleotide variant.
Coding change: c.478T>A on transcript NM_198578.4 (MANE Select); coding-DNA position 478, T replaced by A.
Protein change: p.Phe160Ile; replaces phenylalanine 160 with isoleucine.
Molecular consequence: missense variant.
Genome position (GRCh38, 1-based): chr12:40,238,010, T>A. VCF-style: chr12-40238010-T-A. GRCh37 (hg19) VCF-style: chr12-40631812-T-A.
Other names: short protein forms F160I.
Identifiers: ClinVar variation 1313483 (VCV001313483.9), dbSNP rs746884528, ClinGen allele CA6513109.

ClinVar aggregate classification (germline): Uncertain significance. Review status: criteria provided, multiple submitters, no conflicts (2 of 4 stars). 3 submissions from 3 submitters: Uncertain significance (3). Last evaluated 2024-11-01.

Conditions:
Inborn genetic diseases. Identifiers: MedGen C0950123, MeSH D030342.
Autosomal dominant Parkinson disease 8. Also called: LRRK2-Related Parkinson Disease; Parkinson disease 8; Parkinson disease 8, susceptibility to. Identifiers: Orphanet 411602, MedGen C1846862, MONDO:0011764, OMIM 607060.

Allele frequency attached by ClinVar (database versions not stated): gnomAD exomes below 0.00001 and 0.00001; ExAC 0.00001; TOPMed 0.00008; gnomAD 0.00012 and 0.00013.
gnomAD v4.1: 24 of 1,613,226 alleles (0.0015%); highest among the groups gnomAD compares: Admixed American, 0.032%; no homozygotes.

Submissions (3):

Labcorp Genetics (formerly Invitae), Labcorp
Classification: Uncertain significance for Autosomal dominant Parkinson disease 8. Last evaluated: 2024-11-01. Review status: criteria provided, single submitter. Criteria: Invitae Variant Classification Sherloc (09022015). Collection method: clinical testing. Allele origin: germline.
Comment: This sequence change replaces phenylalanine, which is neutral and non-polar, with isoleucine, which is neutral and non-polar, at codon 160 of the LRRK2 protein (p.Phe160Ile). This variant is present in population databases (rs746884528, gnomAD 0.006%). This variant has not been reported in the literature in individuals affected with LRRK2-related conditions. ClinVar contains an entry for this variant (Variation ID: 1313483). Invitae Evidence Modeling of protein sequence and biophysical properties (such as structural, functional, and spatial information, amino acid conservation, physicochemical variation, residue mobility, and thermodynamic stability) has been performed for this missense variant. However, the output from this modeling did not meet the statistical confidence thresholds required to predict the impact of this variant on LRRK2 protein function. In summary, the available evidence is currently insufficient to determine the role of this variant in disease. Therefore, it has been classified as a Variant of Uncertain Significance.

Ambry Genetics
Classification: Uncertain significance for Inborn genetic diseases. Last evaluated: 2023-12-22. Review status: criteria provided, single submitter. Criteria: Ambry Variant Classification Scheme 2023. Collection method: clinical testing. Allele origin: germline.

GeneDx
Classification: Uncertain significance. Last evaluated: 2020-10-26. Review status: criteria provided, single submitter. Criteria: GeneDx Variant Classification Process June 2021. Collection method: clinical testing. Allele origin: germline. Affected: yes.
Comment: In silico analysis supports that this missense variant does not alter protein structure/function; Has not been previously published as pathogenic or benign to our knowledge